The following is an entry in ClinVar:

NM_002294.3(LAMP2):c.704C>T (p.Ala235Val)

Gene: LAMP2 (lysosome associated membrane protein 2; minus strand). Cytogenetic location: Xq24.
Variant type: single nucleotide variant.
Coding change: c.704C>T on transcript NM_002294.3 (MANE Select); coding-DNA position 704, C replaced by T.
Protein change: p.Ala235Val; replaces alanine 235 with valine.
Molecular consequence: missense variant.
Genome position (GRCh38, 1-based): chrX:120,447,878, G>A on the plus strand (C>T on the coding strand, the complement: LAMP2 is on the minus strand). VCF-style: chrX-120447878-G-A. GRCh37 (hg19) VCF-style: chrX-119581733-G-A.
Other names: c.704C>T, p.Ala235Val (NM_001122606.1, NM_013995.2); short protein forms A235V.
Identifiers: ClinVar variation 952460 (VCV000952460.1), dbSNP rs2058604458, ClinGen allele CA414401266.

ClinVar aggregate classification (germline): Uncertain significance (1 of 4 stars; one submission).

Conditions:
Danon disease. Also called: PSEUDOGLYCOGENOSIS II; GSD IIb; LYSOSOMAL GLYCOGEN STORAGE DISEASE WITHOUT ACID MALTASE DEFICIENCY; ANTOPOL DISEASE; Glycogen Storage Disease Type IIb. Identifiers: Orphanet 34587, MedGen C0878677, MONDO:0010281, OMIM 300257.

Submission:

Labcorp Genetics (formerly Invitae), Labcorp
Classification: Uncertain significance for Danon disease. Last evaluated: 2019-07-08. Review status: criteria provided, single submitter. Criteria: Invitae Variant Classification Sherloc (09022015). Collection method: clinical testing. Allele origin: germline.
Comment: This sequence change replaces alanine with valine at codon 235 of the LAMP2 protein (p.Ala235Val). The alanine residue is highly conserved and there is a small physicochemical difference between alanine and valine. This variant is not present in population databases (ExAC no frequency). This variant has not been reported in the literature in individuals with LAMP2-related conditions. Algorithms developed to predict the effect of missense changes on protein structure and function are either unavailable or do not agree on the potential impact of this missense change (SIFT: "Tolerated"; PolyPhen-2: "Probably Damaging"; Align-GVGD: "Class C0"). In summary, the available evidence is currently insufficient to determine the role of this variant in disease. Therefore, it has been classified as a Variant of Uncertain Significance.